The following is an entry in ClinVar:

NM_001371986.1(UNC80):c.3816_3817del (p.Lys1273fs)

Genes: UNC80 (unc-80 subunit of NALCN channel complex; plus strand), LOC121725110 (Sharpr-MPRA regulatory region 8902; plus strand). Cytogenetic location: 2q34.
Variant type: Deletion.
Coding change: c.3816_3817del on transcript NM_001371986.1 (MANE Select); coding-DNA positions 3816 to 3817, 2 bases deleted (CA; older notation c.3816_3817delCA).
Protein change: p.Lys1273fs; shifts the reading frame from lysine 1273.
Molecular consequence: frameshift variant.
Genome position (GRCh38, 1-based): chr2:209,872,946-209,872,947, CA deleted. VCF-style (leftmost placement, unchanged base first): chr2-209872945-CCA-C. GRCh37 (hg19) VCF-style: chr2-210737669-CCA-C.
Other names: c.3822_3823del, p.Lys1275fs (NM_032504.2); c.3807_3808del, p.Lys1270fs (NM_182587.4); short protein forms K1273fs, K1275fs, K1270fs.
Identifiers: ClinVar variation 2846649 (VCV002846649.3), dbSNP rs2471056141, ClinGen allele CA2739279203.

ClinVar aggregate classification (germline): Pathogenic (1 of 4 stars; one submission).

Submission:

Labcorp Genetics (formerly Invitae), Labcorp
Classification: Pathogenic. Last evaluated: 2023-03-17. Review status: criteria provided, single submitter. Criteria: Invitae Variant Classification Sherloc (09022015). Collection method: clinical testing. Allele origin: germline.
Comment: This sequence change creates a premature translational stop signal (p.Lys1275Alafs*15) in the UNC80 gene. It is expected to result in an absent or disrupted protein product. Loss-of-function variants in UNC80 are known to be pathogenic (PMID: 26545877, 26708751, 26708753). This variant is not present in population databases (gnomAD no frequency). This variant has not been reported in the literature in individuals affected with UNC80-related conditions. For these reasons, this variant has been classified as Pathogenic.

Literature cited by the submitters: PubMed 26545877; PubMed 26708751; PubMed 26708753.